The following is an entry in ClinVar:

GRCh38/hg38 Xp22.33(chrX:734358-1178997)x1

Genes: CNE4 (CNE4 enhancer downstream of SHOX; plus strand), CNE5 (CNE5 enhancer downstream of SHOX; plus strand), CNE6 (CNE6 enhancer downstream of SHOX; plus strand), CNE7 (CNE7 enhancer downstream of SHOX; plus strand), CNE8 (CNE8 enhancer downstream of SHOX; plus strand) and 4 more. Cytogenetic location: Xp22.33.
Variant type: copy number loss.
Change: copy number 1 of chrX:734,358-1,178,997 (444.6 kb, GRCh38 coordinates, 1-based), cytogenetic band Xp22.33.
Identifiers: ClinVar variation 4888386 (VCV004888386.1).

ClinVar aggregate classification (germline): Pathogenic (1 of 4 stars; one submission).

Conditions:
Leri-Weill dyschondrosteosis (LWD). Also called: Leri-Weill Dyschondrosteosis (LWD); Léri-Weill dyschondrosteosis; DYSCHONDROSTEOSIS. Identifiers: Orphanet 240, MedGen C0265309, MONDO:0007481, OMIM 127300.
SHOX-related short stature. Also called: SHORT STATURE, IDIOPATHIC, X-LINKED. Identifiers: Orphanet 314795, MedGen C1845118, MONDO:0010367, OMIM 300582. Disease mechanism: loss of function.
Langer mesomelic dysplasia syndrome (LMD). Also called: Langer mesomelic dysplasia; DYSCHONDROSTEOSIS, HOMOZYGOUS. Identifiers: Orphanet 2632, MedGen C0432230, MONDO:0009588, OMIM 249700.

Submission:

New York Genome Center
Classification: Pathogenic for Langer mesomelic dysplasia syndrome; Leri-Weill dyschondrosteosis; SHOX-related short stature. Last evaluated: 2024-08-26. Review status: criteria provided, single submitter. Criteria: NYGC Assertion Criteria 2020. Collection method: clinical testing. Allele origin: inherited. Affected: yes. Observed: 1 variant allele.
Comment: The distal breakpoint of the deletion is 30 bp downstream of the CNE3 regulatory element, and the proximal breakpoint is 300kb downstream of the regulatory element CNE9 [PMID: 35074420], therefore the deletion identified here contains regulatory regions CNE4 through CNE9 of the downstream conserved non-coding region of SHOX. This exact variant has not been reported in population databases (gnomAD SVs v4.1,Database of Genomic Variants), though there are smaller deletions partially overlapping or contained within the one identified here present in those databases at low frequency. This suggests that the deletion identified here is not a common benign copy number variant in the populations represented in those databases. This exact deletion is absent from ClinVar, however deletions similar to or fully contained within the one identified here have been reported in many individuals in the literature affected with SHOX-associated phenotypes including idiopathic short stature and Leri-Weill dyschondrosteosis [PMID: 35074420, 19578035, 22791839, others]. Given the available evidence, the maternally inherited 444 kb deletion (NC_000023.11:g.734358 _1178997del) is reported as Pathogenic.